The following is an entry in ClinVar:

ClinVar aggregate classification (germline): Benign. Review status: criteria provided, multiple submitters, no conflicts (2 of 4 stars). 3 submissions from 3 submitters: Benign (2). 1 of the submissions does not count toward it. Last evaluated 2021-06-09.

Allele frequency attached by ClinVar (database versions not stated): 1000 Genomes Project 0.22604; 1000 Genomes Project 30x 0.23064; gnomAD 0.31490 and 0.31705; TOPMed 0.31566; ESP Exome Variant Server 0.31973; gnomAD exomes 0.35176 and 0.38394; ExAC 0.35749.
gnomAD v4.1: 606,021 of 1,611,272 alleles (38%); highest among the groups gnomAD compares: Admixed American, 44%; 119,378 homozygotes.

Submissions (8):

GeneDx
Classification: Benign. Last evaluated: 2021-06-09. Review status: criteria provided, single submitter. Criteria: GeneDx Variant Classification Process June 2021. Collection method: clinical testing. Allele origin: germline. Affected: yes.

Breakthrough Genomics
Classification: Benign. Review status: criteria provided, single submitter. Criteria: ACMG Guidelines, 2015. Collection method: not provided. Allele origin: germline. Inheritance: Unknown mechanism. Affected: yes.

Dr. Peter K. Rogan Lab, Western University
No classification provided (evidence only). Condition: Malignant lymphoma, large B-cell, diffuse. Review status: no classification provided. Collection method: in vitro. Allele origin: not applicable. Functional consequence: retained intron. Not counted in ClinVar's aggregate classification.

Dr. Peter K. Rogan Lab, Western University
No classification provided (evidence only). Condition: Malignant lymphoma, large B-cell, diffuse. Review status: no classification provided. Collection method: in vitro. Allele origin: not applicable. Functional consequence: retained intron. Not counted in ClinVar's aggregate classification.

Dr. Peter K. Rogan Lab, Western University
No classification provided (evidence only). Condition: Malignant lymphoma, large B-cell, diffuse. Review status: no classification provided. Collection method: in vitro. Allele origin: not applicable. Functional consequence: retained intron. Not counted in ClinVar's aggregate classification.

Dr. Peter K. Rogan Lab, Western University
No classification provided (evidence only). Condition: Malignant lymphoma, large B-cell, diffuse. Review status: no classification provided. Collection method: in vitro. Allele origin: not applicable. Functional consequence: retained intron. Not counted in ClinVar's aggregate classification.

Dr. Peter K. Rogan Lab, Western University
No classification provided (evidence only). Condition: Malignant lymphoma, large B-cell, diffuse. Review status: no classification provided. Collection method: in vitro. Allele origin: not applicable. Functional consequence: retained intron. Not counted in ClinVar's aggregate classification.

Genetic Services Laboratory, University of Chicago
Classification: Likely benign for AllHighlyPenetrant. Review status: no assertion criteria provided. Collection method: clinical testing. Allele origin: germline. Inheritance: Autosomal dominant inheritance. Not counted in ClinVar's aggregate classification.
Comment: Likely benign based on allele frequency in 1000 Genomes Project or ESP global frequency and its presence in a patient with a rare or unrelated disease phenotype. NOT Sanger confirmed.

NM_014832.5(TBC1D4):c.2384-3C>T

Gene: TBC1D4 (TBC1 domain family member 4; minus strand). Cytogenetic location: 13q22.2.
Variant type: single nucleotide variant.
Coding change: c.2384-3C>T on transcript NM_014832.5 (MANE Select); 3 bases into the intron before coding-DNA position 2384, C replaced by T.
Molecular consequence: intron variant.
Genome position (GRCh38, 1-based): chr13:75,310,154, G>A on the plus strand (C>T on the coding strand, the complement: TBC1D4 is on the minus strand). VCF-style: chr13-75310154-G-A. GRCh37 (hg19) VCF-style: chr13-75884290-G-A.
Other names: NC_000013.10:g.75884290G>A; c.2195-3C>T (NM_001286659.2); c.2360-3C>T (NM_001286658.2).
Identifiers: ClinVar variation 130548 (VCV000130548.10), dbSNP rs2297203, ClinGen allele CA214714.